The following is an entry in ClinVar:

NM_004586.3(RPS6KA3):c.2038G>A (p.Val680Ile)

Gene: RPS6KA3 (ribosomal protein S6 kinase A3; minus strand). Cytogenetic location: Xp22.12.
Variant type: single nucleotide variant.
Coding change: c.2038G>A on transcript NM_004586.3 (MANE Select); coding-DNA position 2038, G replaced by A.
Protein change: p.Val680Ile; replaces valine 680 with isoleucine.
Molecular consequence: missense variant.
Genome position (GRCh38, 1-based): chrX:20,156,171, C>T on the plus strand (G>A on the coding strand, the complement: RPS6KA3 is on the minus strand). VCF-style: chrX-20156171-C-T. GRCh37 (hg19) VCF-style: chrX-20174289-C-T.
Other names: short protein forms V680I.
Identifiers: ClinVar variation 3354812 (VCV003354812.1).

ClinVar aggregate classification (germline): Uncertain significance (0 of 4 stars; one submission).

Conditions:
RPS6KA3-related disorder. Also called: RPS6KA3-related condition.

gnomAD v4.1: 2 of 1,208,200 alleles (0.00017%); highest among the groups gnomAD compares: Non-Finnish European, 0.00022%; no homozygotes.

Submission:

PreventionGenetics, part of Exact Sciences
Classification: Uncertain significance for RPS6KA3-related condition. Last evaluated: 2024-05-31. Review status: no assertion criteria provided. Collection method: clinical testing. Allele origin: germline.
Comment: The RPS6KA3 c.2038G>A variant is predicted to result in the amino acid substitution p.Val680Ile. To our knowledge, this variant has not been reported in the literature. This variant is reported in 0.0012% of alleles in individuals of European (Non-Finnish) descent in gnomAD. At this time, the clinical significance of this variant is uncertain due to the absence of conclusive functional and genetic evidence.